The following is an entry in ClinVar:

NM_000038.6(APC):c.8181G>A (p.Gln2727=)

Gene: APC (APC regulator of Wnt signaling pathway; plus strand). Cytogenetic location: 5q22.2.
Variant type: single nucleotide variant.
Coding change: c.8181G>A on transcript NM_000038.6 (MANE Select); coding-DNA position 8181, G replaced by A.
Protein change: p.Gln2727=; no amino-acid change (glutamine 2727 retained).
Molecular consequence: synonymous variant.
Genome position (GRCh38, 1-based): chr5:112,843,775, G>A. VCF-style: chr5-112843775-G-A. GRCh37 (hg19) VCF-style: chr5-112179472-G-A.
Other names: c.8181G>A, p.Gln2727= (NM_001127510.3, NM_001354895.2); c.8127G>A, p.Gln2709= (NM_001127511.3); c.8235G>A, p.Gln2745= (NM_001354896.2); c.8211G>A, p.Gln2737= (NM_001354897.2); c.8106G>A, p.Gln2702= (NM_001354898.2); c.8097G>A, p.Gln2699= (NM_001354899.2); c.8058G>A, p.Gln2686= (NM_001354900.2); c.8004G>A, p.Gln2668= (NM_001354901.2); and 5 more.
Identifiers: ClinVar variation 490373 (VCV000490373.18), dbSNP rs756467505, ClinGen allele CA050111.
Genomic context (GRCh38, chr5:112,843,775, plus strand): 5'-TAATGGCAGTGTTCCCATGCGTACCGTGGGTTTGGAAAATCGCCTGAACTCCTTTATTCA[G>A]GTGGATGCCCCTGACCAAAAAGGAACTGAGATAAAACCAGGACAAAATAATCCTGTCCCT-3'
Protein context (NP_000029.2, residues 2717-2737): GLENRLNSFI[Gln2727=]VDAPDQKGTE

ClinVar aggregate classification (germline): Benign/Likely benign. Review status: criteria provided, multiple submitters, no conflicts (2 of 4 stars). 4 submissions from 4 submitters: Benign (1); Likely benign (3). Last evaluated 2024-04-12.

Conditions:
Hereditary cancer-predisposing syndrome. Also called: Hereditary Cancer Syndrome; Neoplastic Syndromes, Hereditary; Tumor predisposition; Hereditary neoplastic syndrome. Identifiers: Orphanet 140162, MedGen C0027672, MeSH D009386, MONDO:0015356.
Familial adenomatous polyposis 1 (FAP1). Also called: POLYPOSIS, ADENOMATOUS INTESTINAL; FAMILIAL ADENOMATOUS POLYPOSIS 1, ATTENUATED. Identifiers: MedGen C2713442, MONDO:0021056, OMIM 175100. Disease mechanism: loss of function.

Allele frequency attached by ClinVar (database versions not stated): ExAC 0.00001; gnomAD exomes 0.00001; TOPMed 0.00001.
gnomAD v4.1: 10 of 1,613,970 alleles (0.00062%); highest among the groups gnomAD compares: Non-Finnish European, 0.00085%; no homozygotes.

Submissions (4):

Myriad Genetics, Inc.
Classification: Benign for Familial adenomatous polyposis 1. Last evaluated: 2024-04-12. Review status: criteria provided, single submitter. Criteria: Myriad Autosomal Dominant, Autosomal Recessive and X-Linked Classification Criteria (2023). Collection method: clinical testing. Allele origin: unknown.
Comment: This variant is considered benign. This variant is a silent/synonymous amino acid change and it is not expected to impact splicing.

Labcorp Genetics (formerly Invitae), Labcorp
Classification: Likely benign for Familial adenomatous polyposis 1. Last evaluated: 2024-02-25. Review status: criteria provided, single submitter. Criteria: Invitae Variant Classification Sherloc (09022015). Collection method: clinical testing. Allele origin: germline.

Ambry Genetics
Classification: Likely benign for Hereditary cancer-predisposing syndrome. Last evaluated: 2019-05-31. Review status: criteria provided, single submitter. Criteria: Ambry Variant Classification Scheme 2023. Collection method: clinical testing. Allele origin: germline.

Color Diagnostics, LLC DBA Color Health
Classification: Likely benign for Hereditary cancer-predisposing syndrome. Last evaluated: 2017-08-23. Review status: criteria provided, single submitter. Criteria: ACMG Guidelines, 2015. Collection method: clinical testing. Allele origin: germline.